The following is an entry in ClinVar:

NM_152383.5(DIS3L2):c.2427G>C (p.Lys809Asn)

Gene: DIS3L2 (DIS3 like 3'-5' exoribonuclease 2; plus strand). Cytogenetic location: 2q37.1.
Variant type: single nucleotide variant.
Coding change: c.2427G>C on transcript NM_152383.5 (MANE Select); coding-DNA position 2427, G replaced by C.
Protein change: p.Lys809Asn; replaces lysine 809 with asparagine.
Molecular consequence: missense variant. On other transcripts: non-coding transcript variant (2), intron variant (1).
Genome position (GRCh38, 1-based): chr2:232,335,805, G>C. VCF-style: chr2-232335805-G-C. GRCh37 (hg19) VCF-style: chr2-233200515-G-C.
Other names: c.1582-7540G>C (NM_001257281.2); short protein forms K809N.
Identifiers: ClinVar variation 1021036 (VCV001021036.6), dbSNP rs1695924758, ClinGen allele CA350978203.

ClinVar aggregate classification (germline): Uncertain significance (1 of 4 stars; one submission).

Conditions:
Perlman syndrome (PRLMNS). Identifiers: Orphanet 2849, MedGen C0796113, MONDO:0009965, OMIM 267000.

Submission:

Labcorp Genetics (formerly Invitae), Labcorp
Classification: Uncertain significance for Perlman syndrome. Last evaluated: 2024-04-29. Review status: criteria provided, single submitter. Criteria: Invitae Variant Classification Sherloc (09022015). Collection method: clinical testing. Allele origin: germline.
Comment: This sequence change replaces lysine, which is basic and polar, with asparagine, which is neutral and polar, at codon 809 of the DIS3L2 protein (p.Lys809Asn). This variant is not present in population databases (gnomAD no frequency). This variant has not been reported in the literature in individuals affected with DIS3L2-related conditions. ClinVar contains an entry for this variant (Variation ID: 1021036). Advanced modeling of protein sequence and biophysical properties (such as structural, functional, and spatial information, amino acid conservation, physicochemical variation, residue mobility, and thermodynamic stability) performed at Invitae indicates that this missense variant is not expected to disrupt DIS3L2 protein function with a negative predictive value of 80%. In summary, the available evidence is currently insufficient to determine the role of this variant in disease. Therefore, it has been classified as a Variant of Uncertain Significance.